The following is an entry in ClinVar:

ClinVar aggregate classification (germline): Uncertain significance (1 of 4 stars; one submission).

Conditions:
Cardiovascular phenotype. Identifiers: MedGen CN230736.

Submission:

Ambry Genetics
Classification: Uncertain significance for Cardiovascular phenotype. Last evaluated: 2026-07-19. Review status: criteria provided, single submitter. Criteria: Ambry Variant Classification Scheme 2023. Collection method: clinical testing. Allele origin: germline.
Comment: The p.N1927D variant (also known as c.5779A>G), located in coding exon 41 of the DMD gene, results from an A to G substitution at nucleotide position 5779. The asparagine at codon 1927 is replaced by aspartic acid, an amino acid with highly similar properties. This amino acid position is conserved. In addition, this alteration is predicted to be tolerated by in silico analysis. Based on the available evidence, the clinical significance of this variant remains unclear.

NM_004006.3(DMD):c.5779A>G (p.Asn1927Asp)

Gene: DMD (dystrophin; minus strand). Cytogenetic location: Xp21.1.
Variant type: single nucleotide variant.
Coding change: c.5779A>G on transcript NM_004006.3 (MANE Select); coding-DNA position 5779, A replaced by G.
Protein change: p.Asn1927Asp; replaces asparagine 1927 with aspartic acid.
Molecular consequence: missense variant.
Genome position (GRCh38, 1-based): chrX:32,342,243, T>C on the plus strand (A>G on the coding strand, the complement: DMD is on the minus strand). VCF-style: chrX-32342243-T-C. GRCh37 (hg19) VCF-style: chrX-32360360-T-C.
Other names: c.5755A>G, p.Asn1919Asp (NM_000109.4); c.5767A>G, p.Asn1923Asp (NM_004009.3); c.5410A>G, p.Asn1804Asp (NM_004010.3); c.1756A>G, p.Asn586Asp (NM_004011.4); c.1747A>G, p.Asn583Asp (NM_004012.4); short protein forms N1919D, N1927D, N1804D, N1923D, N586D, N583D.
Identifiers: ClinVar variation 5035371 (VCV005035371.1).